The following is an entry in ClinVar:

ClinVar aggregate classification (germline): Conflicting classifications of pathogenicity. Review status: criteria provided, conflicting classifications (1 of 4 stars). 2 submissions from 2 submitters: Uncertain significance (1); Likely benign (1). Last evaluated 2023-11-03.

Conditions:
Cardiovascular phenotype. Identifiers: MedGen CN230736.
Hypertrophic cardiomyopathy 14. Identifiers: MedGen C2750467, MONDO:0013197, OMIM 613251.

Allele frequency attached by ClinVar (database versions not stated): gnomAD exomes below 0.00001.
gnomAD v4.1: 1 of 1,614,138 alleles (0.000062%); highest among the groups gnomAD compares: Non-Finnish European, 0.000085%; no homozygotes.

Submissions (2):

Labcorp Genetics (formerly Invitae), Labcorp
Classification: Likely benign for Hypertrophic cardiomyopathy 14. Last evaluated: 2023-11-03. Review status: criteria provided, single submitter. Criteria: Invitae Variant Classification Sherloc (09022015). Collection method: clinical testing. Allele origin: germline.

Ambry Genetics
Classification: Uncertain significance for Cardiovascular phenotype. Last evaluated: 2023-03-08. Review status: criteria provided, single submitter. Criteria: Ambry Variant Classification Scheme 2023. Collection method: clinical testing. Allele origin: germline.
Comment: The c.2430-5G>A intronic variant results from a G to A substitution 5 nucleotides upstream from coding exon 19 in the MYH6 gene. This nucleotide position is not well conserved in available vertebrate species. In silico splice site analysis predicts that this alteration will not have any significant effect on splicing. Since supporting evidence is limited at this time, the clinical significance of this alteration remains unclear.

NM_002471.4(MYH6):c.2430-5G>A

Gene: MYH6 (myosin heavy chain 6; minus strand). Cytogenetic location: 14q11.2.
Variant type: single nucleotide variant.
Coding change: c.2430-5G>A on transcript NM_002471.4 (MANE Select); 5 bases into the intron before coding-DNA position 2430, G replaced by A.
Molecular consequence: intron variant.
Genome position (GRCh38, 1-based): chr14:23,394,328, C>T on the plus strand (G>A on the coding strand, the complement: MYH6 is on the minus strand). VCF-style: chr14-23394328-C-T. GRCh37 (hg19) VCF-style: chr14-23863537-C-T.
Identifiers: ClinVar variation 2452930 (VCV002452930.5), dbSNP rs1176670439, ClinGen allele CA613317566.
Genomic context (GRCh38, chr14:23,394,328, plus strand): 5'-AATTCTTGACCCCCATGAAGGCCCGAATGTTCCACTGGATTACCAGCAGGGCATCCCTGG[C>T]AAGGAAACGTGGAGGCAGGGTGGGGCACTATAAAAGAGAGCTTCCCAATCATGGGCCCTA-3'